The following is an entry in ClinVar:

ClinVar aggregate classification (germline): Uncertain significance. Review status: criteria provided, multiple submitters, no conflicts (2 of 4 stars). 4 submissions from 4 submitters: Uncertain significance (3). 1 of the submissions does not count toward it. Last evaluated 2025-10-21.

Conditions:
Usher syndrome type 1 (USH1). Also called: RETINITIS PIGMENTOSA AND CONGENITAL DEAFNESS. Identifiers: Orphanet 231169, Orphanet 886, MedGen C1568247, MONDO:0010168, OMIM 276900.

Allele frequency attached by ClinVar (database versions not stated): TOPMed below 0.00001; ExAC 0.00002; gnomAD exomes 0.00001; gnomAD 0.00001.
gnomAD v4.1: 10 of 1,613,848 alleles (0.00062%); highest among the groups gnomAD compares: Admixed American, 0.005%; no homozygotes.

Submissions (4):

GeneDx
Classification: Uncertain significance. Last evaluated: 2025-10-21. Review status: criteria provided, single submitter. Criteria: GeneDx Variant Classification Process June 2021. Collection method: clinical testing. Allele origin: germline.
Comment: Identified in a patient with Usher syndrome type 1D and an additional variant of uncertain significance in the CDH23 gene in published literature (PMID: 23794683); Not observed at significant frequency in large population cohorts (gnomAD); In silico analysis supports that this missense variant has a deleterious effect on protein structure/function; Identified in a patient with hearing loss and a second variant (phase unknown) in the CDH23 gene in published literature (PMID: 34599366); This variant is associated with the following publications: (PMID: 23794683, 34599366)

Labcorp Genetics (formerly Invitae), Labcorp
Classification: Uncertain significance. Last evaluated: 2021-12-19. Review status: criteria provided, single submitter. Criteria: Invitae Variant Classification Sherloc (09022015). Collection method: clinical testing. Allele origin: germline.
Comment: This sequence change replaces glycine, which is neutral and non-polar, with arginine, which is basic and polar, at codon 2123 of the CDH23 protein (p.Gly2123Arg). This variant is present in population databases (rs727504894, gnomAD 0.006%). This variant has not been reported in the literature in individuals affected with CDH23-related conditions. ClinVar contains an entry for this variant (Variation ID: 179483). Algorithms developed to predict the effect of missense changes on protein structure and function are either unavailable or do not agree on the potential impact of this missense change (SIFT: "Deleterious"; PolyPhen-2: "Not Available"; Align-GVGD: "Class C65"). Algorithms developed to predict the effect of sequence changes on RNA splicing suggest that this variant may create or strengthen a splice site. In summary, the available evidence is currently insufficient to determine the role of this variant in disease. Therefore, it has been classified as a Variant of Uncertain Significance.

Laboratory for Molecular Medicine, Mass General Brigham Personalized Medicine
Classification: Uncertain significance. Last evaluated: 2013-12-23. Review status: criteria provided, single submitter. Criteria: LMM Criteria. Collection method: clinical testing. Allele origin: germline. Observed: 1 variant allele.
Comment: The Gly2123Arg variant in CDH23 has not been previously reported in individuals with hearing loss or in large population studies. Computational analyses (bioche mical amino acid properties, conservation, AlignGVGD, PolyPhen2, and SIFT) sugge st that the Gly2123Arg variant may impact the protein, though this information i s not predictive enough to determine pathogenicity. In summary, additional data is needed to determine the clinical significance of this variant.

Natera, Inc.
Classification: Uncertain significance for Usher syndrome type 1. Last evaluated: 2020-09-16. Review status: no assertion criteria provided. Collection method: clinical testing. Allele origin: germline. Not counted in ClinVar's aggregate classification.

NM_022124.6(CDH23):c.6367G>A (p.Gly2123Arg)

Gene: CDH23 (cadherin related 23; plus strand). Cytogenetic location: 10q22.1.
Variant type: single nucleotide variant.
Coding change: c.6367G>A on transcript NM_022124.6 (MANE Select); coding-DNA position 6367, G replaced by A.
Protein change: p.Gly2123Arg; replaces glycine 2123 with arginine.
Molecular consequence: missense variant.
Genome position (GRCh38, 1-based): chr10:71,793,295, G>A. VCF-style: chr10-71793295-G-A. GRCh37 (hg19) VCF-style: chr10-73553052-G-A.
Other names: short protein forms G2123R.
Identifiers: ClinVar variation 179483 (VCV000179483.11), dbSNP rs727504894, ClinGen allele CA184511.